The following is an entry in ClinVar:

ClinVar aggregate classification (germline): Uncertain significance (1 of 4 stars; one submission).

Conditions:
Saldino-Mainzer syndrome (SRTD9). Also called: CONORENAL SYNDROME; Renal dysplasia, retinal pigmentary dystrophy, cerebellar ataxia and skeletal dysplasia; SHORT-RIB THORACIC DYSPLASIA 9 WITHOUT POLYDACTYLY; short-rib thoracic dysplasia 9 with or without polydactyly. Identifiers: Orphanet 140969, MedGen C1849437, MONDO:0009964, OMIM 266920.

Submission:

Labcorp Genetics (formerly Invitae), Labcorp
Classification: Uncertain significance for Saldino-Mainzer syndrome. Last evaluated: 2023-08-04. Review status: criteria provided, single submitter. Criteria: Invitae Variant Classification Sherloc (09022015). Collection method: clinical testing. Allele origin: germline.
Comment: ClinVar contains an entry for this variant (Variation ID: 1356265). This variant has not been reported in the literature in individuals affected with IFT140-related conditions. This variant is not present in population databases (gnomAD no frequency). This sequence change affects codon 453 of the IFT140 mRNA. It is a 'silent' change, meaning that it does not change the encoded amino acid sequence of the IFT140 protein. This variant also falls at the last nucleotide of exon 11, which is part of the consensus splice site for this exon. In summary, the available evidence is currently insufficient to determine the role of this variant in disease. Therefore, it has been classified as a Variant of Uncertain Significance. Variants that disrupt the consensus splice site are a relatively common cause of aberrant splicing (PMID: 17576681, 9536098). Algorithms developed to predict the effect of sequence changes on RNA splicing suggest that this variant may disrupt the consensus splice site.

Literature cited by the submitters: PubMed 17576681; PubMed 9536098.

NM_014714.4(IFT140):c.1359G>A (p.Lys453=)

Genes: IFT140 (intraflagellar transport 140; minus strand), LOC105371046 (uncharacterized LOC105371046; plus strand). Cytogenetic location: 16p13.3.
Variant type: single nucleotide variant.
Coding change: c.1359G>A on transcript NM_014714.4 (MANE Select); coding-DNA position 1359, G replaced by A.
Protein change: p.Lys453=; no amino-acid change (lysine 453 retained).
Molecular consequence: synonymous variant.
Genome position (GRCh38, 1-based): chr16:1,584,217, C>T on the plus strand (G>A on the coding strand, the complement: IFT140 is on the minus strand). VCF-style: chr16-1584217-C-T. GRCh37 (hg19) VCF-style: chr16-1634218-C-T.
Identifiers: ClinVar variation 1356265 (VCV001356265.6), dbSNP rs2034740047, ClinGen allele CA492927663.
Genomic context (GRCh38, chr16:1,584,217, plus strand): 5'-ACCTGGCCATGGGGCAGTTCTTCTGTCTGTGTCCCACCCACGGGTCCCCTCGGCAGTCAC[C>T]TTGGTGGCAAACACTCCACTGATGTGCATGTCGGTGCGCAGGCTGTGTGCGACCCCCGTG-3'
Protein context (NP_055529.2, residues 443-463): DMHISGVFAT[Lys453=]DAVAVWNGRQ